The following is an entry in ClinVar:

NM_003590.5(CUL3):c.2033C>T (p.Ala678Val)

Gene: CUL3 (cullin 3; minus strand). Cytogenetic location: 2q36.2.
Variant type: single nucleotide variant.
Coding change: c.2033C>T on transcript NM_003590.5 (MANE Select); coding-DNA position 2033, C replaced by T.
Protein change: p.Ala678Val; replaces alanine 678 with valine.
Molecular consequence: missense variant.
Genome position (GRCh38, 1-based): chr2:224,478,342, G>A on the plus strand (C>T on the coding strand, the complement: CUL3 is on the minus strand). VCF-style: chr2-224478342-G-A. GRCh37 (hg19) VCF-style: chr2-225343059-G-A.
Other names: c.1835C>T, p.Ala612Val (NM_001257197.2); c.2051C>T, p.Ala684Val (NM_001257198.2); short protein forms A678V, A684V, A612V.
Identifiers: ClinVar variation 2837947 (VCV002837947.3), dbSNP rs2106143643, ClinGen allele CA350821955.
Genomic context (GRCh38, chr2:224,478,342, plus strand): 5'-TCGTCGTCTACTTTCTGCCTTGTTTCTTTCCTCTCTGGGTCGGATTCACCTTGTTTGGCA[G>A]CAACTAAAATAGAAATAAAGACATTTATCATAAATCTAATTTTAAAATTTGGTTTATAAG-3'
Protein context (NP_003581.1, residues 668-688): KLHRVKIQTV[Ala678Val]AKQGESDPER

ClinVar aggregate classification (germline): Uncertain significance (1 of 4 stars; one submission).

Submission:

Labcorp Genetics (formerly Invitae), Labcorp
Classification: Uncertain significance. Last evaluated: 2023-06-25. Review status: criteria provided, single submitter. Criteria: Invitae Variant Classification Sherloc (09022015). Collection method: clinical testing. Allele origin: germline.
Comment: Advanced modeling of protein sequence and biophysical properties (such as structural, functional, and spatial information, amino acid conservation, physicochemical variation, residue mobility, and thermodynamic stability) performed at Invitae indicates that this missense variant is not expected to disrupt CUL3 protein function. In summary, the available evidence is currently insufficient to determine the role of this variant in disease. Therefore, it has been classified as a Variant of Uncertain Significance. This variant has not been reported in the literature in individuals affected with CUL3-related conditions. This sequence change replaces alanine, which is neutral and non-polar, with valine, which is neutral and non-polar, at codon 678 of the CUL3 protein (p.Ala678Val). This variant is not present in population databases (gnomAD no frequency).